The following is an entry in ClinVar:

ClinVar aggregate classification (germline): Benign/Likely benign. Review status: criteria provided, multiple submitters, no conflicts (2 of 4 stars). 8 submissions from 8 submitters: Benign (1); Likely benign (7). Last evaluated 2026-04-27.

Conditions:
Ovarian cancer. Also called: OVARIAN CANCER, SOMATIC. Identifiers: Orphanet 213500, MedGen C1140680, MONDO:0008170, OMIM 167000.
Familial cancer of breast. Also called: hereditary breast carcinoma; BREAST CANCER, FAMILIAL; Hereditary breast cancer. Identifiers: Orphanet 227535, MedGen C0346153, MONDO:0016419, OMIM 114480. Disease mechanism: loss of function.
CDH1-related disorder. Also called: CDH1-related condition.
Hereditary cancer-predisposing syndrome. Also called: Neoplastic Syndromes, Hereditary; Tumor predisposition; Hereditary Cancer Syndrome; Hereditary neoplastic syndrome. Identifiers: Orphanet 140162, MedGen C0027672, MeSH D009386, MONDO:0015356.
Hereditary diffuse gastric adenocarcinoma (HDGC). Also called: DIFFUSE GASTRIC AND LOBULAR BREAST CANCER SYNDROME. Identifiers: Orphanet 26106, MedGen C1708349, MONDO:0007648, OMIM 137215.

Allele frequency attached by ClinVar (database versions not stated): TOPMed 0.00001; 1000 Genomes Project 30x 0.00031.
gnomAD v4.1: 20 of 1,612,914 alleles (0.0012%); highest among the groups gnomAD compares: Non-Finnish European, 0.0016%; no homozygotes.

Submissions (8):

PreventionGenetics, part of Exact Sciences
Classification: Likely benign for CDH1-related condition. Last evaluated: 2026-04-27. Review status: criteria provided, single submitter. Criteria: ACMG Guidelines, 2015. Collection method: clinical testing. Allele origin: germline.
Comment: This variant is classified as likely benign based on ACMG/AMP sequence variant interpretation guidelines (Richards et al. 2015 PMID: 25741868, with internal and published modifications).

Labcorp Genetics (formerly Invitae), Labcorp
Classification: Likely benign for Hereditary diffuse gastric adenocarcinoma. Last evaluated: 2026-01-10. Review status: criteria provided, single submitter. Criteria: Invitae Variant Classification Sherloc (09022015). Collection method: clinical testing. Allele origin: germline.

Women's Health and Genetics/Laboratory Corporation of America, LabCorp
Classification: Likely benign. Last evaluated: 2025-12-30. Review status: criteria provided, single submitter. Criteria: LabCorp Variant Classification Summary - May 2015. Collection method: clinical testing. Allele origin: germline.
Comment: Variant summary: CDH1 c.1711+9G>C alters a nucleotide located at a position not widely known to affect splicing. Consensus agreement among computation tools predict no significant impact on normal splicing. However, these predictions have yet to be confirmed by functional studies. The variant allele was found at a frequency of 1.6e-05 in 251438 control chromosomes (gnomAD). The available data on variant occurrences in the general population are insufficient to allow any conclusion about variant significance. c.1711+9G>C has been observed in individuals affected with breast cancer without strong evidence for causality (Corso_2024). This report does not provide unequivocal conclusions about association of the variant with Hereditary Diffuse Gastric Cancer. To our knowledge, no experimental evidence demonstrating an impact on protein function has been reported. The following publication has been ascertained in the context of this evaluation (PMID: 38652475). ClinVar contains an entry for this variant (Variation ID: 219727). Based on the evidence outlined above, the variant was classified as likely benign.

Myriad Genetics, Inc.
Classification: Likely benign for Hereditary diffuse gastric adenocarcinoma. Last evaluated: 2024-09-19. Review status: criteria provided, single submitter. Criteria: Myriad Autosomal Dominant, Autosomal Recessive and X-Linked Classification Criteria (2023). Collection method: clinical testing. Allele origin: unknown.
Comment: This variant is considered likely benign. This variant is intronic and is not expected to impact mRNA splicing.

Department of Pathology and Laboratory Medicine, Sinai Health System
Classification: Likely benign for Familial cancer of breast; Ovarian cancer. Last evaluated: 2023-12-01. Review status: criteria provided, single submitter. Criteria: ACMG Guidelines, 2015. Collection method: clinical testing. Allele origin: germline. Affected: yes.

Quest Diagnostics Nichols Institute San Juan Capistrano
Classification: Likely benign. Last evaluated: 2023-06-01. Review status: criteria provided, single submitter. Criteria: Quest Diagnostics criteria. Collection method: clinical testing. Allele origin: unknown.

Color Diagnostics, LLC DBA Color Health
Classification: Likely benign for Hereditary cancer-predisposing syndrome. Last evaluated: 2017-05-19. Review status: criteria provided, single submitter. Criteria: ACMG Guidelines, 2015. Collection method: clinical testing. Allele origin: germline.

GeneDx
Classification: Benign. Last evaluated: 2015-06-29. Review status: criteria provided, single submitter. Criteria: GeneDx Variant Classification Process June 2021. Collection method: clinical testing. Allele origin: germline. Affected: yes.

Literature cited by the submitters: PubMed 38652475 (cited by Women's Health and Genetics/Laboratory Corporation of America, LabCorp).

NM_004360.5(CDH1):c.1711+9G>C

Gene: CDH1 (cadherin 1; plus strand). Cytogenetic location: 16q22.1.
Variant type: single nucleotide variant.
Coding change: c.1711+9G>C on transcript NM_004360.5 (MANE Select); 9 bases into the intron after coding-DNA position 1711, G replaced by C.
Molecular consequence: intron variant.
Genome position (GRCh38, 1-based): chr16:68,819,434, G>C. VCF-style: chr16-68819434-G-C. GRCh37 (hg19) VCF-style: chr16-68853337-G-C.
Other names: c.1711+9G>C (LRG_301t1); c.163+9G>C (NM_001317185.2); c.-254-2567G>C (NM_001317186.2); c.1528+9G>C (NM_001317184.2).
Identifiers: ClinVar variation 219727 (VCV000219727.27), dbSNP rs368770384, ClinGen allele CA349182.